The following is an entry in ClinVar:

NM_153252.5(BRWD3):c.3557C>G (p.Thr1186Ser)

Gene: BRWD3 (bromodomain and WD repeat domain containing 3; minus strand). Cytogenetic location: Xq21.1.
Variant type: single nucleotide variant.
Coding change: c.3557C>G on transcript NM_153252.5 (MANE Select); coding-DNA position 3557, C replaced by G.
Protein change: p.Thr1186Ser; replaces threonine 1186 with serine.
Molecular consequence: missense variant.
Genome position (GRCh38, 1-based): chrX:80,691,098, G>C on the plus strand (C>G on the coding strand, the complement: BRWD3 is on the minus strand). VCF-style: chrX-80691098-G-C. GRCh37 (hg19) VCF-style: chrX-79946597-G-C.
Other names: short protein forms T1186S.
Identifiers: ClinVar variation 1308039 (VCV001308039.5), dbSNP rs2147692178, ClinGen allele CA413616782.

ClinVar aggregate classification (germline): Uncertain significance. Review status: criteria provided, multiple submitters, no conflicts (2 of 4 stars). 2 submissions from 2 submitters: Uncertain significance (2). Last evaluated 2022-12-14.

gnomAD v4.1: 1 of 1,209,623 alleles (0.000083%); highest among the groups gnomAD compares: African/African-American, 0.0017%; no homozygotes.

Submissions (2):

Labcorp Genetics (formerly Invitae), Labcorp
Classification: Uncertain significance. Last evaluated: 2022-12-14. Review status: criteria provided, single submitter. Criteria: Invitae Variant Classification Sherloc (09022015). Collection method: clinical testing. Allele origin: germline.
Comment: Advanced modeling of protein sequence and biophysical properties (such as structural, functional, and spatial information, amino acid conservation, physicochemical variation, residue mobility, and thermodynamic stability) performed at Invitae indicates that this missense variant is expected to disrupt BRWD3 protein function. In summary, the available evidence is currently insufficient to determine the role of this variant in disease. Therefore, it has been classified as a Variant of Uncertain Significance. ClinVar contains an entry for this variant (Variation ID: 1308039). This variant has not been reported in the literature in individuals affected with BRWD3-related conditions. This variant is not present in population databases (gnomAD no frequency). This sequence change replaces threonine, which is neutral and polar, with serine, which is neutral and polar, at codon 1186 of the BRWD3 protein (p.Thr1186Ser).

GeneDx
Classification: Uncertain significance. Last evaluated: 2019-08-28. Review status: criteria provided, single submitter. Criteria: GeneDx Variant Classification Process June 2021. Collection method: clinical testing. Allele origin: germline. Affected: yes.
Comment: In silico analysis, which includes protein predictors and evolutionary conservation, supports a deleterious effect; Not observed in large population cohorts (Lek et al., 2016); Has not been previously published as pathogenic or benign to our knowledge